The following is an entry in ClinVar:

ClinVar aggregate classification (germline): Uncertain significance. Review status: criteria provided, multiple submitters, no conflicts (2 of 4 stars). 2 submissions from 2 submitters: Uncertain significance (2). Last evaluated 2024-09-01.

Conditions:
Hereditary cancer-predisposing syndrome. Also called: Hereditary Cancer Syndrome; Hereditary neoplastic syndrome; Tumor predisposition; Neoplastic Syndromes, Hereditary. Identifiers: Orphanet 140162, MedGen C0027672, MeSH D009386, MONDO:0015356.
Cardiovascular phenotype. Identifiers: MedGen CN230736.

Submissions (2):

Ambry Genetics
Classification: Uncertain significance for Cardiovascular phenotype; Hereditary cancer-predisposing syndrome. Last evaluated: 2024-09-01. Review status: criteria provided, single submitter. Criteria: Ambry Variant Classification Scheme 2023. Collection method: clinical testing. Allele origin: germline.
Comment: The p.N772H variant (also known as c.2314A>C), located in coding exon 19 of the LZTR1 gene, results from an A to C substitution at nucleotide position 2314. The asparagine at codon 772 is replaced by histidine, an amino acid with similar properties. This amino acid position is conserved. In addition, the in silico prediction for this alteration is inconclusive. Based on the available evidence, the clinical significance of this variant remains unclear.

Labcorp Genetics (formerly Invitae), Labcorp
Classification: Uncertain significance. Last evaluated: 2024-06-06. Review status: criteria provided, single submitter. Criteria: Invitae Variant Classification Sherloc (09022015). Collection method: clinical testing. Allele origin: germline.
Comment: This sequence change replaces asparagine, which is neutral and polar, with histidine, which is basic and polar, at codon 772 of the LZTR1 protein (p.Asn772His). This variant is not present in population databases (gnomAD no frequency). This variant has not been reported in the literature in individuals affected with LZTR1-related conditions. Advanced modeling of protein sequence and biophysical properties (such as structural, functional, and spatial information, amino acid conservation, physicochemical variation, residue mobility, and thermodynamic stability) performed at Invitae indicates that this missense variant is not expected to disrupt LZTR1 protein function with a negative predictive value of 80%. In summary, the available evidence is currently insufficient to determine the role of this variant in disease. Therefore, it has been classified as a Variant of Uncertain Significance.

NM_006767.4(LZTR1):c.2314A>C (p.Asn772His)

Gene: LZTR1 (leucine zipper like post translational regulator 1; plus strand). Cytogenetic location: 22q11.21.
Variant type: single nucleotide variant.
Coding change: c.2314A>C on transcript NM_006767.4 (MANE Select); coding-DNA position 2314, A replaced by C.
Protein change: p.Asn772His; replaces asparagine 772 with histidine.
Molecular consequence: missense variant.
Genome position (GRCh38, 1-based): chr22:20,996,790, A>C. VCF-style: chr22-20996790-A-C. GRCh37 (hg19) VCF-style: chr22-21351079-A-C.
Other names: short protein forms N772H.
Identifiers: ClinVar variation 3541502 (VCV003541502.3).
Genomic context (GRCh38, chr22:20,996,790, plus strand): 5'-TACAACAACCGGCTGCAGGCGTACTGCAAGCAGAACCTGGAGATGAACGTGACGGTGCAG[A>C]ACGTGCTGCAGGTAGCCCCCCAGCCCCGTGCACATGGCTGCAGCTCCCACTGAGTGGGTG-3'
Protein context (NP_006758.2, residues 762-782): QNLEMNVTVQ[Asn772His]VLQILEAADK